The following is an entry in ClinVar:

NM_020937.4(FANCM):c.5855A>G (p.Glu1952Gly)

Gene: FANCM (FA complementation group M; plus strand). Cytogenetic location: 14q21.2.
Variant type: single nucleotide variant.
Coding change: c.5855A>G on transcript NM_020937.4 (MANE Select); coding-DNA position 5855, A replaced by G.
Protein change: p.Glu1952Gly; replaces glutamic acid 1952 with glycine.
Molecular consequence: missense variant.
Genome position (GRCh38, 1-based): chr14:45,198,782, A>G. VCF-style: chr14-45198782-A-G. GRCh37 (hg19) VCF-style: chr14-45667985-A-G.
Other names: c.5855A>G (LRG_502t1, NM_020937.3); c.5777A>G, p.Glu1926Gly (NM_001308133.2); short protein forms E1952G, E1926G.
Identifiers: ClinVar variation 643592 (VCV000643592.12), dbSNP rs1594486115, ClinGen allele CA389587071.

ClinVar aggregate classification (germline): Uncertain significance. Review status: criteria provided, multiple submitters, no conflicts (2 of 4 stars). 5 submissions from 5 submitters: Uncertain significance (5). Last evaluated 2024-09-04.

Conditions:
Hereditary cancer-predisposing syndrome. Also called: Tumor predisposition; Neoplastic Syndromes, Hereditary; Hereditary Cancer Syndrome; Hereditary neoplastic syndrome. Identifiers: Orphanet 140162, MedGen C0027672, MeSH D009386, MONDO:0015356.
Spermatogenic failure 28. Identifiers: MedGen C4748117, MONDO:0054732, OMIM 618086.
Premature ovarian failure 15. Identifiers: MedGen C4748170, MONDO:0054862, OMIM 618096.
Fanconi anemia (FA). Also called: Fanconi's anemia. Identifiers: Orphanet 84, MedGen C0015625, MeSH D005199, MONDO:0019391.

Allele frequency attached by ClinVar (database versions not stated): TOPMed below 0.00001; gnomAD 0.00001; gnomAD exomes 0.00001.
gnomAD v4.1: 8 of 1,613,962 alleles (0.0005%); highest among the groups gnomAD compares: Non-Finnish European, 0.00068%; no homozygotes.

Submissions (5):

Blueprint Genetics
Classification: Uncertain significance. Last evaluated: 2024-09-04. Review status: criteria provided, single submitter. Criteria: ACMG Guidelines, 2015. Collection method: clinical testing. Allele origin: germline.

Fulgent Genetics
Classification: Uncertain significance for Spermatogenic failure 28; Premature ovarian failure 15. Last evaluated: 2024-04-12. Review status: criteria provided, single submitter. Criteria: ACMG Guidelines, 2015. Collection method: clinical testing. Allele origin: germline.

Quest Diagnostics Nichols Institute San Juan Capistrano
Classification: Uncertain significance. Last evaluated: 2024-03-01. Review status: criteria provided, single submitter. Criteria: Quest Diagnostics criteria. Collection method: clinical testing. Allele origin: unknown.
Comment: The FANCM c.5855A>G (p.Glu1952Gly) variant has not been reported in individuals with FANCM-related conditions in the published literature. The frequency of this variant in the general population, 0.0000066 (1/152172 chromosomes (Genome Aggregation Database)), is uninformative in the assessment of its pathogenicity. Analysis of this variant using bioinformatics tools for the prediction of the effect of amino acid changes on protein structure and function yielded predictions that this variant is damaging. Based on the available information, we are unable to determine the clinical significance of this variant.

Labcorp Genetics (formerly Invitae), Labcorp
Classification: Uncertain significance for Fanconi anemia. Last evaluated: 2022-07-19. Review status: criteria provided, single submitter. Criteria: Invitae Variant Classification Sherloc (09022015). Collection method: clinical testing. Allele origin: germline.
Comment: Algorithms developed to predict the effect of missense changes on protein structure and function are either unavailable or do not agree on the potential impact of this missense change (SIFT: "Deleterious"; PolyPhen-2: "Probably Damaging"; Align-GVGD: "Class C15"). In summary, the available evidence is currently insufficient to determine the role of this variant in disease. Therefore, it has been classified as a Variant of Uncertain Significance. ClinVar contains an entry for this variant (Variation ID: 643592). This variant has not been reported in the literature in individuals affected with FANCM-related conditions. This variant is not present in population databases (gnomAD no frequency). This sequence change replaces glutamic acid, which is acidic and polar, with glycine, which is neutral and non-polar, at codon 1952 of the FANCM protein (p.Glu1952Gly).

Sema4
Classification: Uncertain significance for Hereditary cancer-predisposing syndrome. Last evaluated: 2022-01-06. Review status: criteria provided, single submitter. Criteria: Sema4 Curation Guidelines. Collection method: curation. Allele origin: germline.
Comment: To the best of our knowledge, the FANCM c.5855A>G (p.E1952G) variant has not been reported in individuals with FANCM-related disease. It was not observed in the Genome Aggregation Database (PMID: 32461654). This variant has been reported in ClinVar (Variation ID 643592). Functional studies have not been performed, and in silico predictions of the variant's effect on protein function are inconclusive. The evidence is insufficient to meet ACMG/AMP criteria for classifying the variant as benign or pathogenic. Thus, the clinical significance of this variant is currently uncertain.